The following is an entry in ClinVar:

ClinVar aggregate classification (germline): Uncertain significance. Review status: criteria provided, multiple submitters, no conflicts (2 of 4 stars). 2 submissions from 2 submitters: Uncertain significance (2). Last evaluated 2024-11-04.

Conditions:
Hereditary cancer-predisposing syndrome. Also called: Hereditary neoplastic syndrome; Neoplastic Syndromes, Hereditary; Hereditary Cancer Syndrome; Tumor predisposition. Identifiers: Orphanet 140162, MedGen C0027672, MeSH D009386, MONDO:0015356.
Familial cancer of breast. Also called: BREAST CANCER, FAMILIAL; Hereditary breast cancer; hereditary breast carcinoma. Identifiers: Orphanet 227535, MedGen C0346153, MONDO:0016419, OMIM 114480. Disease mechanism: loss of function.

Submissions (2):

Labcorp Genetics (formerly Invitae), Labcorp
Classification: Uncertain significance for Familial cancer of breast. Last evaluated: 2024-11-04. Review status: criteria provided, single submitter. Criteria: Invitae Variant Classification Sherloc (09022015). Collection method: clinical testing. Allele origin: germline.
Comment: This sequence change replaces serine, which is neutral and polar, with arginine, which is basic and polar, at codon 981 of the PALB2 protein (p.Ser981Arg). This variant is not present in population databases (gnomAD no frequency). This variant has not been reported in the literature in individuals affected with PALB2-related conditions. ClinVar contains an entry for this variant (Variation ID: 530050). An algorithm developed to predict the effect of missense changes on protein structure and function outputs the following: PolyPhen-2: "Benign". The arginine amino acid residue is found in multiple mammalian species, which suggests that this missense change does not adversely affect protein function. In summary, the available evidence is currently insufficient to determine the role of this variant in disease. Therefore, it has been classified as a Variant of Uncertain Significance.

Ambry Genetics
Classification: Uncertain significance for Hereditary cancer-predisposing syndrome. Last evaluated: 2024-06-09. Review status: criteria provided, single submitter. Criteria: Ambry Variant Classification Scheme 2023. Collection method: clinical testing. Allele origin: germline.
Comment: The p.S981R variant (also known as c.2943T>G), located in coding exon 9 of the PALB2 gene, results from a T to G substitution at nucleotide position 2943. The serine at codon 981 is replaced by arginine, an amino acid with dissimilar properties. This amino acid position is conserved. In addition, this alteration is predicted to be tolerated by in silico analysis. Based on the available evidence, the clinical significance of this variant remains unclear.

NM_024675.4(PALB2):c.2943T>G (p.Ser981Arg)

Gene: PALB2 (partner and localizer of BRCA2; minus strand). Cytogenetic location: 16p12.2.
Variant type: single nucleotide variant.
Coding change: c.2943T>G on transcript NM_024675.4 (MANE Select); coding-DNA position 2943, T replaced by G.
Protein change: p.Ser981Arg; replaces serine 981 with arginine.
Molecular consequence: missense variant.
Genome position (GRCh38, 1-based): chr16:23,623,022, A>C on the plus strand (T>G on the coding strand, the complement: PALB2 is on the minus strand). VCF-style: chr16-23623022-A-C. GRCh37 (hg19) VCF-style: chr16-23634343-A-C.
Other names: short protein forms S981R.
Identifiers: ClinVar variation 530050 (VCV000530050.10), dbSNP rs775585445, ClinGen allele CA395144098.